The following is an entry in ClinVar:

NM_000069.3(CACNA1S):c.5135-4A>G

Gene: CACNA1S (calcium voltage-gated channel subunit alpha1 S; minus strand). Cytogenetic location: 1q32.1.
Variant type: single nucleotide variant.
Coding change: c.5135-4A>G on transcript NM_000069.3 (MANE Select); 4 bases into the intron before coding-DNA position 5135, A replaced by G.
Molecular consequence: intron variant.
Genome position (GRCh38, 1-based): chr1:201,040,717, T>C on the plus strand (A>G on the coding strand, the complement: CACNA1S is on the minus strand). VCF-style: chr1-201040717-T-C. GRCh37 (hg19) VCF-style: chr1-201009845-T-C.
Identifiers: ClinVar variation 509208 (VCV000509208.18), dbSNP rs1388042700, ClinGen allele CA528312289.

ClinVar aggregate classification (germline): Likely benign. Review status: criteria provided, multiple submitters, no conflicts (2 of 4 stars). 8 submissions from 5 submitters: Likely benign (8). Last evaluated 2025-11-27.

Conditions:
Thyrotoxic periodic paralysis, susceptibility to, 1 (TTPP1). Identifiers: Orphanet 79102, MedGen C2749982, MONDO:0008570, OMIM 188580.
Malignant hyperthermia, susceptibility to, 5 (MHS5). Also called: CACNA1S-Related Malignant Hyperthermia Susceptibility. Identifiers: Orphanet 423, MedGen C1866077, MONDO:0011163, OMIM 601887.
Hypokalemic periodic paralysis, type 1. Also called: HypoPP; Hypokalemic Periodic Paralysis Type 1 (AD). Identifiers: Orphanet 681, MedGen C3714580, MONDO:0042979, OMIM 170400.
Congenital myopathy 18. Also called: Myopathy, congenital, due to dihydropyridine receptor defect; DIHYDROPYRIDINE RECEPTOR CONGENITAL MYOPATHY; DHPR CONGENITAL MYOPATHY. Identifiers: MedGen C5830283, MONDO:0859514, OMIM 620246.

Allele frequency attached by ClinVar (database versions not stated): TOPMed below 0.00001; gnomAD 0.00002.
gnomAD v4.1: 3 of 1,612,826 alleles (0.00019%); highest among the groups gnomAD compares: Non-Finnish European, 0.00025%; no homozygotes.

Submissions (8):

Labcorp Genetics (formerly Invitae), Labcorp
Classification: Likely benign for Hypokalemic periodic paralysis, type 1; Malignant hyperthermia, susceptibility to, 5. Last evaluated: 2025-11-27. Review status: criteria provided, single submitter. Criteria: Invitae Variant Classification Sherloc (09022015). Collection method: clinical testing. Allele origin: germline.

All of Us Research Program, National Institutes of Health
Classification: Likely benign for Malignant hyperthermia, susceptibility to, 5. Last evaluated: 2024-02-05. Review status: criteria provided, single submitter. Criteria: ACMG Guidelines, 2015. Collection method: clinical testing. Allele origin: germline. Inheritance: Autosomal dominant inheritance. Observed: 1 variant allele, 1 heterozygote.
Comment: This study involves interpretation of variants in research participants for the purpose of population health screening. Participant phenotype was not available at the time of variant classification. Additional details can be found in publication PMID: 35346344, PMCID: PMC8962531

Genome-Nilou Lab
Classification: Likely benign for Malignant hyperthermia, susceptibility to, 5. Last evaluated: 2023-04-11. Review status: criteria provided, single submitter. Criteria: ACMG Guidelines, 2015. Collection method: clinical testing. Allele origin: germline. Affected: no.

Genome-Nilou Lab
Classification: Likely benign for Thyrotoxic periodic paralysis, susceptibility to, 1. Last evaluated: 2023-04-11. Review status: criteria provided, single submitter. Criteria: ACMG Guidelines, 2015. Collection method: clinical testing. Allele origin: germline. Affected: no.

Genome-Nilou Lab
Classification: Likely benign for Congenital myopathy 18. Last evaluated: 2023-04-11. Review status: criteria provided, single submitter. Criteria: ACMG Guidelines, 2015. Collection method: clinical testing. Allele origin: germline. Affected: no.

Genome-Nilou Lab
Classification: Likely benign for Hypokalemic periodic paralysis, type 1. Last evaluated: 2023-04-11. Review status: criteria provided, single submitter. Criteria: ACMG Guidelines, 2015. Collection method: clinical testing. Allele origin: germline. Affected: no.

Color Diagnostics, LLC DBA Color Health
Classification: Likely benign for Malignant hyperthermia, susceptibility to, 5. Last evaluated: 2023-01-24. Review status: criteria provided, single submitter. Criteria: ACMG Guidelines, 2015. Collection method: clinical testing. Allele origin: germline.

GeneDx
Classification: Likely benign. Last evaluated: 2021-05-11. Review status: criteria provided, single submitter. Criteria: GeneDx Variant Classification Process June 2021. Collection method: clinical testing. Allele origin: germline. Affected: yes.